The following is an entry in ClinVar:

NM_000203.5(IDUA):c.1437_1438insACTGTCTCTTATA (p.Leu480fs)

Gene: IDUA (alpha-L-iduronidase; plus strand). Cytogenetic location: 4p16.3.
Variant type: Insertion.
Coding change: c.1437_1438insACTGTCTCTTATA on transcript NM_000203.5 (MANE Select); coding-DNA positions 1437 to 1438, ACTGTCTCTTATA inserted.
Protein change: p.Leu480fs; shifts the reading frame from leucine 480.
Molecular consequence: frameshift variant. On other transcripts: non-coding transcript variant (1).
Genome position: GRCh38 VCF-style: chr4-1003070-G-GACTGTCTCTTATA. GRCh37 (hg19) VCF-style: chr4-996858-G-GACTGTCTCTTATA.
Other names: c.1041_1042insACTGTCTCTTATA, p.Leu348fs (NM_001363576.1); short protein forms L348fs, L480fs.
Identifiers: ClinVar variation 5011395 (VCV005011395.1).
Genomic context (GRCh38, chr4:1,003,070, plus strand): 5'-CGAGGCCTGAGTGTCAGGCCCCGCAGGCCTGGTCTACGTCACGCGCTACCTGGACAACGG[G>GACTGTCTCTTATA]CTCTGCAGCCCCGACGGCGAGTGGCGGCGCCTGGGCCGGCCCGTCTTCCCCACGGCAGAG-3'

ClinVar aggregate classification (germline): Pathogenic (1 of 4 stars; one submission).

Conditions:
Mucopolysaccharidosis type 1. Also called: IDUA deficiency; MPS I; Mucopolysaccharidosis Type I. Identifiers: Orphanet 579, MedGen C0023786, MONDO:0001586.

Submission:

Myriad Genetics, Inc.
Classification: Pathogenic for Mucopolysaccharidosis type 1. Last evaluated: 2023-08-19. Review status: criteria provided, single submitter. Criteria: Myriad Autosomal Dominant, Autosomal Recessive and X-Linked Classification Criteria (2023). Collection method: clinical testing. Allele origin: unknown.
Comment: NM_000203.3(IDUA):c.1437_1438ins13(L480Tfs*33) is expected to be pathogenic in the context of mucopolysaccharidosis type I. This variant is predicted to lead to an abnormal or absent protein product due to the creation of a premature termination codon in IDUA, a gene where loss-of-function variants are known to be pathogenic. Please note: this variant was assessed in the context of healthy population screening.